The following is an entry in ClinVar:

NM_032237.5(POMK):c.827A>G (p.Tyr276Cys)

Gene: POMK (protein O-mannose kinase; plus strand). Cytogenetic location: 8p11.21.
Variant type: single nucleotide variant.
Coding change: c.827A>G on transcript NM_032237.5 (MANE Select); coding-DNA position 827, A replaced by G.
Protein change: p.Tyr276Cys; replaces tyrosine 276 with cysteine.
Molecular consequence: missense variant.
Genome position (GRCh38, 1-based): chr8:43,122,651, A>G. VCF-style: chr8-43122651-A-G. GRCh37 (hg19) VCF-style: chr8-42977794-A-G.
Other names: c.827A>G, p.Tyr276Cys (NM_001277971.2); c.827A>G (NM_032237.3); short protein forms Y276C.
Identifiers: ClinVar variation 957806 (VCV000957806.6), dbSNP rs1811945936, ClinGen allele CA371122757.

ClinVar aggregate classification (germline): Uncertain significance. Review status: criteria provided, multiple submitters, no conflicts (2 of 4 stars). 2 submissions from 2 submitters: Uncertain significance (2). Last evaluated 2026-01-19.

Conditions:
Limb-girdle muscular dystrophy due to POMK deficiency. Also called: MUSCULAR DYSTROPHY-DYSTROGLYCANOPATHY, LIMB-GIRDLE, POMK-RELATED; Muscular dystrophy-dystroglycanopathy (limb-girdle), type c, 12. Identifiers: Orphanet 445110, MedGen C4015184, MONDO:0014489, OMIM 616094.
Muscular dystrophy-dystroglycanopathy (congenital with brain and eye anomalies), type a, 12 (MDDGA12). Also called: WALKER-WARBURG SYNDROME OR MUSCLE-EYE-BRAIN DISEASE, POMK-RELATED. Identifiers: Orphanet 899, MedGen C3808964, MONDO:0014101, OMIM 615249.
Inborn genetic diseases. Identifiers: MedGen C0950123, MeSH D030342.

Allele frequency attached by ClinVar (database versions not stated): TOPMed below 0.00001; gnomAD exomes 0.00001.
gnomAD v4.1: 13 of 1,614,070 alleles (0.00081%); highest among the groups gnomAD compares: Admixed American, 0.0017%; no homozygotes.

Submissions (2):

Labcorp Genetics (formerly Invitae), Labcorp
Classification: Uncertain significance for Muscular dystrophy-dystroglycanopathy (congenital with brain and eye anomalies), type a, 12; Limb-girdle muscular dystrophy due to POMK deficiency. Last evaluated: 2026-01-19. Review status: criteria provided, single submitter. Criteria: Invitae Variant Classification Sherloc (09022015). Collection method: clinical testing. Allele origin: germline.
Comment: This sequence change replaces tyrosine, which is neutral and polar, with cysteine, which is neutral and slightly polar, at codon 276 of the POMK protein (p.Tyr276Cys). This variant is not present in population databases (gnomAD no frequency). This variant has not been reported in the literature in individuals affected with POMK-related conditions. ClinVar contains an entry for this variant (Variation ID: 957806). Invitae Evidence Modeling of protein sequence and biophysical properties (such as structural, functional, and spatial information, amino acid conservation, physicochemical variation, residue mobility, and thermodynamic stability) indicates that this missense variant is not expected to disrupt POMK protein function with a negative predictive value of 80%. In summary, the available evidence is currently insufficient to determine the role of this variant in disease. Therefore, it has been classified as a Variant of Uncertain Significance.

Ambry Genetics
Classification: Uncertain significance for Inborn genetic diseases. Last evaluated: 2025-08-08. Review status: criteria provided, single submitter. Criteria: Ambry Variant Classification Scheme 2023. Collection method: clinical testing. Allele origin: germline.